The following is an entry in ClinVar:

NM_006939.4(SOS2):c.250A>G (p.Lys84Glu)

Gene: SOS2 (SOS Ras/Rho guanine nucleotide exchange factor 2; minus strand). Cytogenetic location: 14q21.3.
Variant type: single nucleotide variant.
Coding change: c.250A>G on transcript NM_006939.4 (MANE Select); coding-DNA position 250, A replaced by G.
Protein change: p.Lys84Glu; replaces lysine 84 with glutamic acid.
Molecular consequence: missense variant.
Genome position (GRCh38, 1-based): chr14:50,201,048, T>C on the plus strand (A>G on the coding strand, the complement: SOS2 is on the minus strand). VCF-style: chr14-50201048-T-C. GRCh37 (hg19) VCF-style: chr14-50667766-T-C.
Other names: c.250A>G, p.Lys84Glu (NM_001411020.1); short protein forms K84E.
Identifiers: ClinVar variation 3959859 (VCV003959859.1).

ClinVar aggregate classification (germline): Uncertain significance (1 of 4 stars; one submission).

Conditions:
Cardiovascular phenotype. Identifiers: MedGen CN230736.

gnomAD v4.1: 1 of 1,613,930 alleles (0.000062%); highest among the groups gnomAD compares: Non-Finnish European, 0.000085%; no homozygotes.

Submission:

Ambry Genetics
Classification: Uncertain significance for Cardiovascular phenotype. Last evaluated: 2025-03-25. Review status: criteria provided, single submitter. Criteria: Ambry Variant Classification Scheme 2023. Collection method: clinical testing. Allele origin: germline.
Comment: The p.K84E variant (also known as c.250A>G), located in coding exon 3 of the SOS2 gene, results from an A to G substitution at nucleotide position 250. The lysine at codon 84 is replaced by glutamic acid, an amino acid with similar properties. This amino acid position is conserved. In addition, this alteration is predicted to be deleterious by in silico analysis. Based on the available evidence, the clinical significance of this variant remains unclear.